The following is an entry in ClinVar:

NM_016038.4(SBDS):c.76C>G (p.Arg26Gly)

Gene: SBDS (SBDS ribosome maturation factor; minus strand). Cytogenetic location: 7q11.21.
Variant type: single nucleotide variant.
Coding change: c.76C>G on transcript NM_016038.4 (MANE Select); coding-DNA position 76, C replaced by G.
Protein change: p.Arg26Gly; replaces arginine 26 with glycine.
Molecular consequence: missense variant.
Genome position (GRCh38, 1-based): chr7:66,995,342, G>C on the plus strand (C>G on the coding strand, the complement: SBDS is on the minus strand). VCF-style: chr7-66995342-G-C. GRCh37 (hg19) VCF-style: chr7-66460329-G-C.
Other names: short protein forms R26G.
Identifiers: ClinVar variation 3950339 (VCV003950339.1).
Genomic context (GRCh38, chr7:66,995,342, plus strand): 5'-CTACTCACACGCCGCTCCGCCAGCCGACGACCTTGTTTTTGTAGCAGGCGATTTCGAAGC[G>C]CTTCCCGGCACGCTTCATCCGTACCACGGCCACATTGGTTAGGCGGATCTGGTTGGTGGG-3'
Protein context (NP_057122.2, residues 16-36): AVVRMKRAGK[Arg26Gly]FEIACYKNKV

ClinVar aggregate classification (germline): Uncertain significance (1 of 4 stars; one submission).

Conditions:
Inborn genetic diseases. Identifiers: MedGen C0950123, MeSH D030342.

Submission:

Ambry Genetics
Classification: Uncertain significance for Inborn genetic diseases. Last evaluated: 2025-06-08. Review status: criteria provided, single submitter. Criteria: Ambry Variant Classification Scheme 2023. Collection method: clinical testing. Allele origin: germline.
Comment: The p.R26G variant (also known as c.76C>G), located in coding exon 1 of the SBDS gene, results from a C to G substitution at nucleotide position 76. The arginine at codon 26 is replaced by glycine, an amino acid with dissimilar properties. This amino acid position is conserved. In addition, this alteration is predicted to be deleterious by in silico analysis. Based on the available evidence, the clinical significance of this variant remains unclear.